The following is an entry in ClinVar:

ClinVar aggregate classification (germline): Uncertain significance (1 of 4 stars; one submission).

Conditions:
Charcot-Marie-Tooth disease axonal type 2Z. Also called: CHARCOT-MARIE-TOOTH DISEASE, AXONAL, AUTOSOMAL DOMINANT, TYPE 2Z; CHARCOT-MARIE-TOOTH NEUROPATHY, TYPE 2Z. Identifiers: Orphanet 466768, MedGen C5569025, MONDO:0014736, OMIM 616688.

Allele frequency attached by ClinVar (database versions not stated): TOPMed 0.00002; gnomAD 0.00003 and 0.00004.
gnomAD v4.1: 20 of 1,613,642 alleles (0.0012%); highest among the groups gnomAD compares: African/African-American, 0.0053%; no homozygotes.

Submission:

Labcorp Genetics (formerly Invitae), Labcorp
Classification: Uncertain significance for Charcot-Marie-Tooth disease axonal type 2Z. Last evaluated: 2023-08-05. Review status: criteria provided, single submitter. Criteria: Invitae Variant Classification Sherloc (09022015). Collection method: clinical testing. Allele origin: germline.
Comment: This sequence change replaces valine, which is neutral and non-polar, with methionine, which is neutral and non-polar, at codon 1002 of the MORC2 protein (p.Val1002Met). This variant is present in population databases (rs778221935, gnomAD 0.008%). In summary, the available evidence is currently insufficient to determine the role of this variant in disease. Therefore, it has been classified as a Variant of Uncertain Significance. Advanced modeling of protein sequence and biophysical properties (such as structural, functional, and spatial information, amino acid conservation, physicochemical variation, residue mobility, and thermodynamic stability) performed at Invitae indicates that this missense variant is not expected to disrupt MORC2 protein function. ClinVar contains an entry for this variant (Variation ID: 964245). This variant has not been reported in the literature in individuals affected with MORC2-related conditions.

NM_001303256.3(MORC2):c.3004G>A (p.Val1002Met)

Gene: MORC2 (MORC family CW-type zinc finger 2; minus strand). Cytogenetic location: 22q12.2.
Variant type: single nucleotide variant.
Coding change: c.3004G>A on transcript NM_001303256.3 (MANE Select); coding-DNA position 3004, G replaced by A.
Protein change: p.Val1002Met; replaces valine 1002 with methionine.
Molecular consequence: missense variant.
Genome position (GRCh38, 1-based): chr22:30,928,045, C>T on the plus strand (G>A on the coding strand, the complement: MORC2 is on the minus strand). VCF-style: chr22-30928045-C-T. GRCh37 (hg19) VCF-style: chr22-31324032-C-T.
Other names: c.3004G>A, p.Val1002Met (NM_001303257.2); c.2818G>A, p.Val940Met (NM_014941.3); short protein forms V940M, V1002M.
Identifiers: ClinVar variation 964245 (VCV000964245.8), dbSNP rs778221935, ClinGen allele CA10186499.
Genomic context (GRCh38, chr22:30,928,045, plus strand): 5'-GGTCCAGCTGCAACAGGAAGGCTGCCGGGCTCACCTCCTGCACCTTTTGCAGGAGTGCCA[C>T]GATGTTGGTCCTCAGCTTCTGCAGCTTCTCCTCCGTCTCGCGGAGCTTCCTCTCGGAGGT-3'
Protein context (NP_001290185.1, residues 992-1012): EKLQKLRTNI[Val1002Met]ALLQKVQEDI